The following is an entry in ClinVar:

NC_000022.11:g.40346401G>T

Gene: ADSL (adenylosuccinate lyase; plus strand). Cytogenetic location: 22q13.1.
Variant type: single nucleotide variant.
Genome position: GRCh38 VCF-style: chr22-40346401-G-T. GRCh37 (hg19) VCF-style: chr22-40742405-G-T.
Identifiers: ClinVar variation 1519044 (VCV001519044.3), dbSNP rs1001687278, ClinGen allele CA324446851.

ClinVar aggregate classification (germline): Uncertain significance (1 of 4 stars; one submission).

Conditions:
Adenylosuccinate lyase deficiency (ADSLD). Also called: ADSL DEFICIENCY. Identifiers: Orphanet 46, MedGen C0268126, MONDO:0007068, OMIM 103050.

Allele frequency attached by ClinVar (database versions not stated): gnomAD 0.00003.

Submission:

Labcorp Genetics (formerly Invitae), Labcorp
Classification: Uncertain significance for Adenylosuccinate lyase deficiency. Last evaluated: 2022-07-05. Review status: criteria provided, single submitter. Criteria: Invitae Variant Classification Sherloc (09022015). Collection method: clinical testing. Allele origin: germline.
Comment: This variant occurs in a non-coding region of the ADSL gene. It does not change the encoded amino acid sequence of the ADSL protein. This variant is not present in population databases (gnomAD no frequency). This variant has not been reported in the literature in individuals affected with ADSL-related conditions. Experimental studies and prediction algorithms are not available or were not evaluated, and the functional significance of this variant is currently unknown. In summary, the available evidence is currently insufficient to determine the role of this variant in disease. Therefore, it has been classified as a Variant of Uncertain Significance.